The following is an entry in ClinVar:

ClinVar aggregate classification (germline): Likely benign (0 of 4 stars; one submission).

Conditions:
UROC1-related disorder. Also called: UROC1-related condition.

Allele frequency attached by ClinVar (database versions not stated): ExAC 0.00001; gnomAD 0.00002; gnomAD exomes 0.00002; TOPMed 0.00003; ESP Exome Variant Server 0.00008.
gnomAD v4.1: 29 of 1,614,086 alleles (0.0018%); highest among the groups gnomAD compares: Admixed American, 0.0033%; no homozygotes.

Submission:

PreventionGenetics, part of Exact Sciences
Classification: Likely benign for UROC1-related condition. Last evaluated: 2019-03-14. Review status: no assertion criteria provided. Collection method: clinical testing. Allele origin: germline.
Comment: This variant is classified as likely benign based on ACMG/AMP sequence variant interpretation guidelines (Richards et al. 2015 PMID: 25741868, with internal and published modifications).

NM_144639.3(UROC1):c.1773C>T (p.Asn591=)

Gene: UROC1 (urocanate hydratase 1; minus strand). Cytogenetic location: 3q21.3.
Variant type: single nucleotide variant.
Coding change: c.1773C>T on transcript NM_144639.3 (MANE Select); coding-DNA position 1773, C replaced by T.
Protein change: p.Asn591=; no amino-acid change (asparagine 591 retained).
Molecular consequence: synonymous variant.
Genome position (GRCh38, 1-based): chr3:126,488,215, G>A on the plus strand (C>T on the coding strand, the complement: UROC1 is on the minus strand). VCF-style: chr3-126488215-G-A. GRCh37 (hg19) VCF-style: chr3-126207058-G-A.
Other names: c.1953C>T, p.Asn651= (NM_001165974.2).
Identifiers: ClinVar variation 3046385 (VCV003046385.2), dbSNP rs149541232, ClinGen allele CA2590872.